The following is an entry in ClinVar:

ClinVar aggregate classification (germline): Pathogenic (1 of 4 stars; one submission).

Conditions:
DiGeorge syndrome. Also called: THIRD AND FOURTH PHARYNGEAL POUCH SYNDROME; Catch22. Identifiers: Orphanet 567, MedGen C0012236, MONDO:0008564, OMIM 188400.

Submission:

Labcorp Genetics (formerly Invitae), Labcorp
Classification: Pathogenic for DiGeorge syndrome. Last evaluated: 2023-05-20. Review status: criteria provided, single submitter. Criteria: Invitae Variant Classification Sherloc (09022015). Collection method: clinical testing. Allele origin: germline.
Comment: This variant has not been reported in the literature in individuals affected with TBX1-related conditions. This variant is not present in population databases (gnomAD no frequency). This sequence change creates a premature translational stop signal (p.Phe72Leufs*30) in the TBX1 gene. It is expected to result in an absent or disrupted protein product. Loss-of-function variants in TBX1 are known to be pathogenic (PMID: 25860641, 29500247). For these reasons, this variant has been classified as Pathogenic.

Literature cited by the submitters: PubMed 25860641; PubMed 29500247.

NM_001379200.1(TBX1):c.243del (p.Phe81fs)

Gene: TBX1 (T-box transcription factor 1; plus strand). Cytogenetic location: 22q11.21.
Variant type: Deletion.
Coding change: c.243del on transcript NM_001379200.1 (MANE Select); coding-DNA position 243, one base deleted (T; older notation c.243delT).
Protein change: p.Phe81fs; shifts the reading frame from phenylalanine 81.
Molecular consequence: frameshift variant.
Genome position (GRCh38, 1-based): chr22:19,761,086, T deleted; the last of 3 consecutive T bases (chr22:19,761,084-19,761,086); deleting any one gives the same sequence. VCF-style (leftmost placement, unchanged base first): chr22-19761083-GT-G. GRCh37 (hg19) VCF-style: chr22-19748606-GT-G.
Other names: c.216del, p.Phe72fs (NM_005992.1, NM_080646.2, NM_080647.1); short protein forms F81fs, F72fs.
Identifiers: ClinVar variation 2866293 (VCV002866293.3), dbSNP rs2517842289, ClinGen allele CA2739267793.